The following is an entry in ClinVar:

ClinVar aggregate classification (germline): Conflicting classifications of pathogenicity. Review status: criteria provided, conflicting classifications (1 of 4 stars). 7 submissions from 7 submitters: Likely pathogenic (1); Uncertain significance (4). 2 of the submissions do not count toward it. Last evaluated 2026-06-09.

Conditions:
Inborn genetic diseases. Identifiers: MedGen C0950123, MeSH D030342.
Pulmonary fibrosis and/or bone marrow failure, Telomere-related, 3. Also called: PULMONARY FIBROSIS AND/OR BONE MARROW FAILURE SYNDROME, TELOMERE-RELATED, 3. Identifiers: Orphanet 2032, MedGen C4225346, MONDO:0014613, OMIM 616373.
Dyskeratosis congenita, autosomal recessive 5 (DKCB5). Identifiers: MedGen C3554656, MONDO:0014076, OMIM 615190.
Dyskeratosis congenita. Identifiers: Orphanet 1775, MedGen C0265965, MONDO:0015780.
RTEL1-related disorder. Also called: RTEL1-related disorders; RTEL1-related condition.

Allele frequency attached by ClinVar (database versions not stated): gnomAD 0.00002; TOPMed 0.00002.
gnomAD v4.1: 21 of 1,609,814 alleles (0.0013%); highest among the groups gnomAD compares: Non-Finnish European, 0.0018%; no homozygotes.

Submissions (7):

Ambry Genetics
Classification: Likely pathogenic for Inborn genetic diseases. Last evaluated: 2026-06-09. Review status: criteria provided, single submitter. Criteria: Ambry Variant Classification Scheme 2023. Collection method: clinical testing. Allele origin: germline.
Comment: The c.2214-7C>G intronic variant consists of a C to G substitution 7 nucleotides before exon 25 (coding exon 24) of the RTEL1 gene. This variant was not reported in population-based cohorts in the Genome Aggregation Database (gnomAD). This variant has been identified in the homozygous state and/or in conjunction with other RTEL1 variant(s) in individual(s) with features consistent with RTEL1-related dyskeratosis congenita (Ghisays, 2021; Gutierrez-Rodrigues, 2024). This nucleotide position is well conserved in available vertebrate species. In silico splice site analysis predicts that this alteration will weaken the native splice acceptor site. Based on the available evidence, this alteration is classified as likely pathogenic.

Victorian Clinical Genetics Services, Murdoch Childrens Research Institute
Classification: Uncertain significance for Pulmonary fibrosis and/or bone marrow failure, Telomere-related, 3. Last evaluated: 2025-08-29. Review status: criteria provided, single submitter. Criteria: ACMG Guidelines, 2015. Collection method: clinical testing. Allele origin: germline. Affected: yes.
Comment: This variant is classified as VUS-3A. Evidence in support of pathogenic classification: Non-canonical splice site variant without proven consequence on splicing. RNA sequencing did not indicate abnormal splicing in this individual; however, further studies are needed to conclusively prove this variant has no impact on splicing (Peter MacCallum Cancer Centre; personal communication); Variant is present in gnomAD <0.01 (v4: 21 heterozygote(s), 0 homozygote(s)); This variant has strong functional evidence supporting abnormal protein function. Patient-derived lymphoblastoid cells homozygous for this variant demonstrated elevated telomere repeat containing RNAs (TERRA) levels compared to wildtype (PMID: 34021146). Additional information: This variant is heterozygous; This gene is associated with both recessive and dominant disease. Currently, the genotype-phenotype correlation is not established (OMIM); Alternative nucleotide change(s) at the same non-canonical splice site are present in gnomAD (Highest allele count: v4: 3 heterozygote(s), 0 homozygote(s)); Previous reports of pathogenicity for this variant are conflicting. This variant has been classified as a VUS by clinical laboratories in ClinVar. In addition, this variant has been reported in the literature in the homozygous state in an individual with Hoyeraal-Hreidarsson syndrome (PMID: 34021146), and heterozygous carriers in the family have been reported as asymptomatic (PMID: 39316766); Another non-canonical splice site variant(s) comparable to the one identified in this case has inconclusive previous evidence for pathogenicity. c.2142-7C>T has been classified as likely benign by a clinical laboratory in ClinVar; In silico prediction for abnormal splicing and nucleotide conservation are conflicting; Loss of function is a known mechanism of disease in this gene and is associated with autosomal dominant dyskeratosis congenita 4 and autosomal recessive dyskeratosis congenita 5 (MIM#615190), and autosomal dominant pulmonary fibrosis and/or bone marrow failure syndrome, telomere-related, 3 (MIM#616373); The condition associated with this gene has incomplete penetrance. Monoallelic pathogenic variants have been reported in asymptomatic family members (PMID: 23329068, 25848748, 35199181); Variants in this gene are known to have variable expressivity (OMIM); Inheritance information for this variant is not currently available in this individual.

Labcorp Genetics (formerly Invitae), Labcorp
Classification: Uncertain significance for Dyskeratosis congenita, autosomal recessive 5; Pulmonary fibrosis and/or bone marrow failure, Telomere-related, 3. Last evaluated: 2024-12-18. Review status: criteria provided, single submitter. Criteria: Invitae Variant Classification Sherloc (09022015). Collection method: clinical testing. Allele origin: germline.
Comment: This sequence change falls in intron 24 of the RTEL1 gene. It does not directly change the encoded amino acid sequence of the RTEL1 protein. This variant is not present in population databases (gnomAD no frequency). This variant has been observed in individual(s) with dyskeratosis congenita (PMID: 34021146). ClinVar contains an entry for this variant (Variation ID: 666914). Algorithms developed to predict the effect of sequence changes on RNA splicing suggest that this variant may disrupt the consensus splice site. In summary, the available evidence is currently insufficient to determine the role of this variant in disease. Therefore, it has been classified as a Variant of Uncertain Significance.

Mayo Clinic Laboratories, Mayo Clinic
Classification: Uncertain significance. Last evaluated: 2022-12-21. Review status: criteria provided, single submitter. Criteria: ACMG Guidelines, 2015. Collection method: clinical testing. Allele origin: germline. Observed: 1 variant allele.
Comment: PM2_supporting, PM3_supporting, PS3_moderate

Laboratory for Molecular Medicine, Mass General Brigham Personalized Medicine
Classification: Uncertain significance. Last evaluated: 2018-03-06. Review status: criteria provided, single submitter. Criteria: LMM Criteria. Collection method: clinical testing. Allele origin: germline. Observed: 1 variant allele.
Comment: The c.2214-7C>G variant in RTEL1 has not been previously reported in individuals with pulmonary fibrosis or dyskeratosis congenita, and was absent from large po pulation studies. This variant is located in the 3' splice region and diverges f rom the consensus sequence at this position, which is typically a cytosine (C) o r a thymine (T) nucleotide; however, this information is not sufficient to assum e pathogenicity. Conservation and computational analysis do not provide strong e vidence for or against pathogenicity. In summary, the clinical significance of t he c.2214-7C>G variant is uncertain. ACMG/AMP Criteria applied: PM2.

PreventionGenetics, part of Exact Sciences
Classification: Uncertain significance for RTEL1-related condition. Last evaluated: 2024-01-02. Review status: no assertion criteria provided. Collection method: clinical testing. Allele origin: germline. Not counted in ClinVar's aggregate classification.
Comment: The RTEL1 c.2214-7C>G variant is predicted to interfere with splicing. This variant can also be referred to as NM_001283009:c.2142-7C>G (intronic) in the literature. Functional studies using lymphoblastoid cell lines derived from a patient with Hoyeraal-Hreidarsson (HH) syndrome and homozygous for the RTEL1 c.2142-7C>G variant found no endogenous RTEL1 protein levels when compared to wild type cells and significantly elevated levels of a different protein (TERRA) (Supplementary Figure 9, Ghisays et al. 2021. PubMed ID: 34021146). This variant has not been reported in a large population database, indicating this variant is rare. Although we suspect that this variant may be pathogenic, at this time, the clinical significance of this variant is uncertain due to the absence of conclusive functional and genetic evidence.

Natera, Inc.
Classification: Uncertain significance for Dyskeratosis congenita. Last evaluated: 2021-05-25. Review status: no assertion criteria provided. Collection method: clinical testing. Allele origin: germline. Not counted in ClinVar's aggregate classification.

Literature cited by the submitters: PubMed 34021146 (cited by 4 submitters); PubMed 39279436 (cited by Ambry Genetics); PubMed 39316766 (cited by Ambry Genetics and Victorian Clinical Genetics Services, Murdoch Childrens Research Institute); PubMed 35199181 (cited by Victorian Clinical Genetics Services, Murdoch Childrens Research Institute); PubMed 23329068 (cited by Victorian Clinical Genetics Services, Murdoch Childrens Research Institute); PubMed 25848748 (cited by Victorian Clinical Genetics Services, Murdoch Childrens Research Institute).

NM_001283009.2(RTEL1):c.2142-7C>G

Genes: RTEL1 (regulator of telomere elongation helicase 1; plus strand), RTEL1-TNFRSF6B (RTEL1-TNFRSF6B readthrough (NMD candidate); plus strand). Cytogenetic location: 20q13.33.
Variant type: single nucleotide variant.
Coding change: c.2142-7C>G on transcript NM_001283009.2 (MANE Select); 7 bases into the intron before coding-DNA position 2142, C replaced by G.
Molecular consequence: intron variant.
Genome position (GRCh38, 1-based): chr20:63,690,080, C>G. VCF-style: chr20-63690080-C-G. GRCh37 (hg19) VCF-style: chr20-62321433-C-G.
Other names: c.1473-7C>G (NM_001283010.1); c.2214-7C>G (NM_032957.5); c.2142-7C>G (NM_016434.4).
Identifiers: ClinVar variation 666914 (VCV000666914.16), dbSNP rs879582201, ClinGen allele CA317513515.